The following is an entry in ClinVar:

NM_000327.4(ROM1):c.712_713del (p.Leu238fs)

Gene: ROM1 (retinal outer segment membrane protein 1; plus strand). Cytogenetic location: 11q12.3.
Variant type: Deletion.
Coding change: c.712_713del on transcript NM_000327.4 (MANE Select); coding-DNA positions 712 to 713, 2 bases deleted (CT; older notation c.712_713delCT).
Protein change: p.Leu238fs; shifts the reading frame from leucine 238.
Molecular consequence: frameshift variant.
Genome position (GRCh38, 1-based): chr11:62,614,379-62,614,380, CT deleted. VCF-style (leftmost placement, unchanged base first): chr11-62614378-CCT-C. GRCh37 (hg19) VCF-style: chr11-62381850-CCT-C.
Other names: short protein forms L238fs.
Identifiers: ClinVar variation 857136 (VCV000857136.9), dbSNP rs771706631, ClinGen allele CA6049818.

ClinVar aggregate classification (germline): Conflicting classifications of pathogenicity. Review status: criteria provided, conflicting classifications (1 of 4 stars). 3 submissions from 3 submitters: Likely pathogenic (1); Uncertain significance (2). Last evaluated 2025-03-31.

Conditions:
Retinitis pigmentosa 7 (RP7). Identifiers: Orphanet 791, MedGen C1842475, MONDO:0011974, OMIM 608133.

Allele frequency attached by ClinVar (database versions not stated): gnomAD exomes 0.00003 and 0.00007; ExAC 0.00004; TOPMed 0.00005; gnomAD 0.00006.

Submissions (3):

Labcorp Genetics (formerly Invitae), Labcorp
Classification: Uncertain significance. Last evaluated: 2025-03-31. Review status: criteria provided, single submitter. Criteria: Invitae Variant Classification Sherloc (09022015). Collection method: clinical testing. Allele origin: germline.
Comment: This sequence change creates a premature translational stop signal (p.Leu238Valfs*17) in the ROM1 gene. It is expected to result in an absent or disrupted protein product. However, the current clinical and genetic evidence is not sufficient to establish whether loss-of-function variants in ROM1 cause disease. This variant is present in population databases (rs771706631, gnomAD 0.02%). This premature translational stop signal has been observed in individual(s) with Stargardt disease and/or retinitis pigmentosa (PMID: 35353811, 36011402). ClinVar contains an entry for this variant (Variation ID: 857136). In summary, the available evidence is currently insufficient to determine the role of this variant in disease. Therefore, it has been classified as a Variant of Uncertain Significance.

Greenwood Genetic Center Diagnostic Laboratories, Greenwood Genetic Center
Classification: Likely pathogenic for Retinitis pigmentosa 7. Last evaluated: 2025-02-03. Review status: criteria provided, single submitter. Criteria: ACMG Guidelines, 2015. Collection method: clinical testing. Allele origin: germline. Affected: yes.
Comment: PVS1, PM2

Blueprint Genetics
Classification: Uncertain significance. Last evaluated: 2023-12-18. Review status: criteria provided, single submitter. Criteria: ACMG Guidelines, 2015. Collection method: clinical testing. Allele origin: germline.

Literature cited by the submitters: PubMed 35353811 (cited by Labcorp Genetics (formerly Invitae), Labcorp); PubMed 36011402 (cited by Labcorp Genetics (formerly Invitae), Labcorp).